The following is an entry in ClinVar:

NM_018192.4(P3H2):c.636G>C (p.Glu212Asp)

Gene: P3H2 (prolyl 3-hydroxylase 2; minus strand). Cytogenetic location: 3q28.
Variant type: single nucleotide variant.
Coding change: c.636G>C on transcript NM_018192.4 (MANE Select); coding-DNA position 636, G replaced by C.
Protein change: p.Glu212Asp; replaces glutamic acid 212 with aspartic acid.
Molecular consequence: missense variant.
Genome position (GRCh38, 1-based): chr3:189,994,281, C>G on the plus strand (G>C on the coding strand, the complement: P3H2 is on the minus strand). VCF-style: chr3-189994281-C-G. GRCh37 (hg19) VCF-style: chr3-189712070-C-G.
Other names: c.93G>C, p.Glu31Asp (NM_001134418.2); short protein forms E212D, E31D.
Identifiers: ClinVar variation 2106269 (VCV002106269.4), dbSNP rs956647667, ClinGen allele CA355759662.

ClinVar aggregate classification (germline): Uncertain significance (1 of 4 stars; one submission).

Submission:

Labcorp Genetics (formerly Invitae), Labcorp
Classification: Uncertain significance. Last evaluated: 2024-11-04. Review status: criteria provided, single submitter. Criteria: Invitae Variant Classification Sherloc (09022015). Collection method: clinical testing. Allele origin: germline.
Comment: This sequence change replaces glutamic acid, which is acidic and polar, with aspartic acid, which is acidic and polar, at codon 212 of the P3H2 protein (p.Glu212Asp). This variant is not present in population databases (gnomAD no frequency). This variant has not been reported in the literature in individuals affected with P3H2-related conditions. ClinVar contains an entry for this variant (Variation ID: 2106269). An algorithm developed to predict the effect of missense changes on protein structure and function (PolyPhen-2) suggests that this variant is likely to be tolerated. In summary, the available evidence is currently insufficient to determine the role of this variant in disease. Therefore, it has been classified as a Variant of Uncertain Significance.